The following is an entry in ClinVar:

NM_000053.4(ATP7B):c.4125-19T>C

Gene: ATP7B (ATPase copper transporting beta; minus strand). Cytogenetic location: 13q14.3.
Variant type: single nucleotide variant.
Coding change: c.4125-19T>C on transcript NM_000053.4 (MANE Select); 19 bases into the intron before coding-DNA position 4125, T replaced by C.
Molecular consequence: intron variant.
Genome position (GRCh38, 1-based): chr13:51,935,048, A>G on the plus strand (T>C on the coding strand, the complement: ATP7B is on the minus strand). VCF-style: chr13-51935048-A-G. GRCh37 (hg19) VCF-style: chr13-52509184-A-G.
Other names: c.3792-19T>C (NM_001243182.2); c.3504-19T>C (NM_001005918.3); c.3873-19T>C (NM_001330579.2); c.3891-19T>C (NM_001330578.2).
Identifiers: ClinVar variation 681422 (VCV000681422.1), dbSNP rs1228043161, ClinGen allele CA610425710.

ClinVar aggregate classification (germline): Likely benign (1 of 4 stars; one submission).

Allele frequency attached by ClinVar (database versions not stated): gnomAD exomes below 0.00001 and 0.00001.
gnomAD v4.1: 19 of 1,612,808 alleles (0.0012%); highest among the groups gnomAD compares: Non-Finnish European, 0.0016%; no homozygotes.

Submission:

GeneDx
Classification: Likely benign. Last evaluated: 2018-04-12. Review status: criteria provided, single submitter. Criteria: GeneDx Variant Classification (06012015). Collection method: clinical testing. Allele origin: germline. Affected: yes.
Comment: This variant is considered likely benign or benign based on one or more of the following criteria: it is a conservative change, it occurs at a poorly conserved position in the protein, it is predicted to be benign by multiple in silico algorithms, and/or has population frequency not consistent with disease.